The following is an entry in ClinVar:

ClinVar aggregate classification (germline): Uncertain significance. Review status: criteria provided, multiple submitters, no conflicts (2 of 4 stars). 4 submissions from 4 submitters: Uncertain significance (4). Last evaluated 2024-03-01.

Conditions:
EXOSC9-related disorder. Also called: EXOSC9-related condition.
Inborn genetic diseases. Identifiers: MedGen C0950123, MeSH D030342.

Submissions (4):

CeGaT Center for Human Genetics Tuebingen
Classification: Uncertain significance. Last evaluated: 2024-03-01. Review status: criteria provided, single submitter. Criteria: CeGaT Center For Human Genetics Tuebingen Variant Classification Criteria Version 2. Collection method: clinical testing. Allele origin: germline. Affected: yes. Observed: 1 variant allele.
Comment: EXOSC9: PM2:Supporting, PM4:Supporting

Labcorp Genetics (formerly Invitae), Labcorp
Classification: Uncertain significance. Last evaluated: 2024-01-04. Review status: criteria provided, single submitter. Criteria: Invitae Variant Classification Sherloc (09022015). Collection method: clinical testing. Allele origin: germline.
Comment: This variant, c.1243_1245del, results in the deletion of 1 amino acid(s) of the EXOSC9 protein (p.Glu415del), but otherwise preserves the integrity of the reading frame. This variant is present in population databases (rs766657767, gnomAD 0.02%). This variant has not been reported in the literature in individuals affected with EXOSC9-related conditions. ClinVar contains an entry for this variant (Variation ID: 1461580). Experimental studies and prediction algorithms are not available or were not evaluated, and the functional significance of this variant is currently unknown. In summary, the available evidence is currently insufficient to determine the role of this variant in disease. Therefore, it has been classified as a Variant of Uncertain Significance.

PreventionGenetics, part of Exact Sciences
Classification: Uncertain significance for EXOSC9-related condition. Last evaluated: 2022-12-07. Review status: criteria provided, single submitter. Criteria: ACMG Guidelines, 2015. Collection method: clinical testing. Allele origin: germline.
Comment: The EXOSC9 c.1243_1245delGAA variant is predicted to result in an in-frame deletion (p.Glu415del). To our knowledge, this variant has not been reported in the literature. This variant is reported in 0.023% of alleles in individuals of European (Non-Finnish) descent in gnomAD. At this time, the clinical significance of this variant is uncertain due to the absence of conclusive functional and genetic evidence.

Ambry Genetics
Classification: Uncertain significance for Inborn genetic diseases. Last evaluated: 2022-07-06. Review status: criteria provided, single submitter. Criteria: Ambry Variant Classification Scheme 2023. Collection method: clinical testing. Allele origin: germline.
Comment: The c.1243_1245delGAA (p.E415del) alteration is located in exon 12 (coding exon 12) of the EXOSC9 gene. This alteration consists of an in-frame deletion of 3 nucleotides between nucleotide positions c.1243 and c.1245, resulting in the deletion of 1 residue. Based on insufficient or conflicting evidence, the clinical significance of this alteration remains unclear.

NM_005033.3(EXOSC9):c.1183GAA[3] (p.Glu398del)

Gene: EXOSC9 (exosome component 9; plus strand). Cytogenetic location: 4q27.
Variant type: Microsatellite.
Coding change: c.1183GAA[3] on transcript NM_005033.3 (MANE Select); three copies in a row of the 3-base unit GAA starting at c.1183; the reference has four copies in a row; one copy, 3 bases deleted.
Protein change: p.Glu398del; deletes glutamic acid 398.
Molecular consequence: inframe deletion.
Genome position (GRCh38, 1-based): chr4:121,816,404-121,816,406, GAA deleted; deleting any 3 consecutive bases within chr4:121,816,395-121,816,406 gives the same sequence; the position shown is the placement nearest the transcript's 3' end. VCF-style (leftmost placement, unchanged base first): chr4-121816394-TGAA-T. GRCh37 (hg19) VCF-style: chr4-122737549-TGAA-T.
Other names: c.1243_1245delGAA (NM_001034194.1); c.1234GAA[3], p.Glu415del (NM_001034194.2); short protein forms E398del, E415del.
Identifiers: ClinVar variation 1461580 (VCV001461580.26), dbSNP rs751857412, ClinGen allele CA3063677.